The following is an entry in ClinVar:

NM_004977.3(KCNC3):c.1742C>T (p.Pro581Leu)

Gene: KCNC3 (potassium voltage-gated channel subfamily C member 3; minus strand). Cytogenetic location: 19q13.33.
Variant type: single nucleotide variant.
Coding change: c.1742C>T on transcript NM_004977.3 (MANE Select); coding-DNA position 1742, C replaced by T.
Protein change: p.Pro581Leu; replaces proline 581 with leucine.
Molecular consequence: missense variant.
Genome position (GRCh38, 1-based): chr19:50,323,211, G>A on the plus strand (C>T on the coding strand, the complement: KCNC3 is on the minus strand). VCF-style: chr19-50323211-G-A. GRCh37 (hg19) VCF-style: chr19-50826468-G-A.
Other names: c.1514C>T, p.Pro505Leu (NM_001372305.1); c.1742C>T (NM_004977.2); short protein forms P581L, P505L.
Identifiers: ClinVar variation 1406949 (VCV001406949.10), dbSNP rs770114451, ClinGen allele CA9594179.

ClinVar aggregate classification (germline): Uncertain significance. Review status: criteria provided, multiple submitters, no conflicts (2 of 4 stars). 2 submissions from 2 submitters: Uncertain significance (2). Last evaluated 2024-11-13.

Conditions:
Inborn genetic diseases. Identifiers: MedGen C0950123, MeSH D030342.

Allele frequency attached by ClinVar (database versions not stated): gnomAD exomes 0.00001 and 0.00002; gnomAD 0.00002; TOPMed 0.00006.

Submissions (2):

Ambry Genetics
Classification: Uncertain significance for Inborn genetic diseases. Last evaluated: 2024-11-13. Review status: criteria provided, single submitter. Criteria: Ambry Variant Classification Scheme 2023. Collection method: clinical testing. Allele origin: germline.

Labcorp Genetics (formerly Invitae), Labcorp
Classification: Uncertain significance. Last evaluated: 2022-07-06. Review status: criteria provided, single submitter. Criteria: Invitae Variant Classification Sherloc (09022015). Collection method: clinical testing. Allele origin: germline.
Comment: In summary, the available evidence is currently insufficient to determine the role of this variant in disease. Therefore, it has been classified as a Variant of Uncertain Significance. Advanced modeling of protein sequence and biophysical properties (such as structural, functional, and spatial information, amino acid conservation, physicochemical variation, residue mobility, and thermodynamic stability) performed at Invitae indicates that this missense variant is not expected to disrupt KCNC3 protein function. ClinVar contains an entry for this variant (Variation ID: 1406949). This variant has not been reported in the literature in individuals affected with KCNC3-related conditions. This variant is present in population databases (rs770114451, gnomAD 0.02%). This sequence change replaces proline, which is neutral and non-polar, with leucine, which is neutral and non-polar, at codon 581 of the KCNC3 protein (p.Pro581Leu).